The following is an entry in ClinVar:

ClinVar aggregate classification (germline): Uncertain significance (1 of 4 stars; one submission).

Conditions:
Autosomal recessive limb-girdle muscular dystrophy type 2T. Also called: Limb-girdle muscular dystrophy-dystroglycanopathy, type C14; MUSCULAR DYSTROPHY-DYSTROGLYCANOPATHY, LIMB-GIRDLE, GMPPB-RELATED; MUSCULAR DYSTROPHY, LIMB-GIRDLE, TYPE 2T; Muscular dystrophy-dystroglycanopathy (limb-girdle), type c, 14. Identifiers: Orphanet 363623, MedGen C4518000, MONDO:0014142, OMIM 615352.
Muscular dystrophy-dystroglycanopathy (congenital with impaired intellectual development), type B, 14. Also called: Congenital muscular dystrophy-dystroglycanopathy with mental retardation, type B14; MUSCULAR DYSTROPHY, CONGENITAL, GMPPB-RELATED; Muscular dystrophy-dystroglycanopathy (congenital with intellectual disability), type B14. Identifiers: MedGen C3809221, MONDO:0014141, OMIM 615351.
Muscular dystrophy-dystroglycanopathy (congenital with brain and eye anomalies), type A14. Also called: Congenital Muscular Dystrophy-Dystroglycanopathy with Brain and Eye Anomalies Type A 14; Congenital muscular dystrophy-dystroglycanopathy with brain and eye anomalies, type A14; WALKER-WARBURG SYNDROME OR MUSCLE-EYE-BRAIN DISEASE, GMPPB-RELATED; Muscular dystrophy-dystroglycanopathy (congenital with brain and eye anomalies), type a, 14. Identifiers: Orphanet 588, MedGen C3809216, MONDO:0014140, OMIM 615350.

Allele frequency attached by ClinVar (database versions not stated): gnomAD 0.00001.
gnomAD v4.1: 11 of 1,614,098 alleles (0.00068%); highest among the groups gnomAD compares: Non-Finnish European, 0.00093%; no homozygotes.

Submission:

Labcorp Genetics (formerly Invitae), Labcorp
Classification: Uncertain significance for Autosomal recessive limb-girdle muscular dystrophy type 2T; Muscular dystrophy-dystroglycanopathy (congenital with brain and eye anomalies), type A14; Muscular dystrophy-dystroglycanopathy (congenital with impaired intellectual development), type B, 14. Last evaluated: 2023-10-06. Review status: criteria provided, single submitter. Criteria: Invitae Variant Classification Sherloc (09022015). Collection method: clinical testing. Allele origin: germline.
Comment: This sequence change replaces glutamic acid, which is acidic and polar, with glutamine, which is neutral and polar, at codon 196 of the GMPPB protein (p.Glu196Gln). This variant is not present in population databases (gnomAD no frequency). This variant has not been reported in the literature in individuals affected with GMPPB-related conditions. Advanced modeling of protein sequence and biophysical properties (such as structural, functional, and spatial information, amino acid conservation, physicochemical variation, residue mobility, and thermodynamic stability) performed at Invitae indicates that this missense variant is not expected to disrupt GMPPB protein function. In summary, the available evidence is currently insufficient to determine the role of this variant in disease. Therefore, it has been classified as a Variant of Uncertain Significance.

NM_021971.4(GMPPB):c.586G>C (p.Glu196Gln)

Gene: GMPPB (GDP-mannose pyrophosphorylase B; minus strand). Cytogenetic location: 3p21.31.
Variant type: single nucleotide variant.
Coding change: c.586G>C on transcript NM_021971.4 (MANE Select); coding-DNA position 586, G replaced by C.
Protein change: p.Glu196Gln; replaces glutamic acid 196 with glutamine.
Molecular consequence: missense variant.
Genome position (GRCh38, 1-based): chr3:49,722,486, C>G on the plus strand (G>C on the coding strand, the complement: GMPPB is on the minus strand). VCF-style: chr3-49722486-C-G. GRCh37 (hg19) VCF-style: chr3-49759919-C-G.
Other names: c.586G>C, p.Glu196Gln (NM_013334.4); short protein forms E196Q.
Identifiers: ClinVar variation 2929720 (VCV002929720.1), dbSNP rs758587073, ClinGen allele CA352828478.